The following is an entry in ClinVar:

NM_000342.4(SLC4A1):c.1153G>C (p.Asp385His)

Gene: SLC4A1 (solute carrier family 4 member 1 (Diego blood group); minus strand). Cytogenetic location: 17q21.31.
Variant type: single nucleotide variant.
Coding change: c.1153G>C on transcript NM_000342.4 (MANE Select); coding-DNA position 1153, G replaced by C.
Protein change: p.Asp385His; replaces aspartic acid 385 with histidine.
Molecular consequence: missense variant.
Genome position (GRCh38, 1-based): chr17:44,258,115, C>G on the plus strand (G>C on the coding strand, the complement: SLC4A1 is on the minus strand). VCF-style: chr17-44258115-C-G. GRCh37 (hg19) VCF-style: chr17-42335483-C-G.
Other names: short protein forms D385H.
Identifiers: ClinVar variation 931021 (VCV000931021.10), dbSNP rs2047407019, ClinGen allele CA399788304.
Genomic context (GRCh38, chr17:44,258,115, plus strand): 5'-CCTGGGGGCTGAATGCATCTGTGATGTCACTCAGGTAATAGGGGTAGCGGCGCCGGATAT[C>G]ACGCACCAGGCCCCCGAAGAGCTGGCCTGTCTGCTGCAGAGGGTCATCTGGGCCCCCATT-3'
Protein context (NP_000333.1, residues 375-395): TGQLFGGLVR[Asp385His]IRRRYPYYLS

ClinVar aggregate classification (germline): Conflicting classifications of pathogenicity. Review status: criteria provided, conflicting classifications (1 of 4 stars). 2 submissions from 2 submitters: Likely pathogenic (1); Uncertain significance (1). Last evaluated 2022-01-19.

Conditions:
Cryohydrocytosis. Also called: CRYOHYDROCYTOSIS DUE TO BAND 3 BLACKBURN; CRYOHYDROCYTOSIS DUE TO BAND 3 HEMEL; CRYOHYDROCYTOSIS DUE TO BAND 3 HURSTPIERPOINT; Hereditary cryohydrocytosis with normal stomatin; STOMATOCYTOSIS, COLD-SENSITIVE. Identifiers: Orphanet 398088, MedGen C1861453, MONDO:0008494, OMIM 185020.

Submissions (2):

ARUP Laboratories, Molecular Genetics and Genomics, ARUP Laboratories
Classification: Uncertain significance. Last evaluated: 2022-01-19. Review status: criteria provided, single submitter. Criteria: ARUP Molecular Germline Variant Investigation Process 2021. Collection method: clinical testing. Allele origin: germline.

Centre for Mendelian Genomics, University Medical Centre Ljubljana
Classification: Likely pathogenic for Cryohydrocytosis. Last evaluated: 2016-01-01. Review status: criteria provided, single submitter. Criteria: ACMG Guidelines, 2015. Collection method: clinical testing. Allele origin: unknown. Affected: yes.
Comment: This variant was classified as: Likely pathogenic. The following ACMG criteria were applied in classifying this variant: PM2,PP1,PP2,PP3,PP4.